The following is an entry in ClinVar:

NM_000501.4(ELN):c.635A>G (p.Lys212Arg)

Gene: ELN (elastin; plus strand). Cytogenetic location: 7q11.23.
Variant type: single nucleotide variant.
Coding change: c.635A>G on transcript NM_000501.4 (MANE Select); coding-DNA position 635, A replaced by G.
Protein change: p.Lys212Arg; replaces lysine 212 with arginine.
Molecular consequence: missense variant.
Genome position (GRCh38, 1-based): chr7:74,046,759, A>G. VCF-style: chr7-74046759-A-G. GRCh37 (hg19) VCF-style: chr7-73461089-A-G.
Other names: c.605A>G, p.Lys202Arg (NM_001081752.3, NM_001278917.2); c.650A>G, p.Lys217Arg (NM_001081753.3, NM_001081754.3); c.635A>G, p.Lys212Arg (NM_001081755.3, NM_001278912.2, NM_001278915.2 and 2 more transcripts); c.569A>G, p.Lys190Arg (NM_001278913.2); c.620A>G, p.Lys207Arg (NM_001278914.2); c.503A>G, p.Lys168Arg (NM_001278918.2); short protein forms K168R, K202R, K207R, K212R, K190R, K217R.
Identifiers: ClinVar variation 2905855 (VCV002905855.3), dbSNP rs1236346424, ClinGen allele CA367870329.

ClinVar aggregate classification (germline): Uncertain significance (1 of 4 stars; one submission).

Conditions:
Supravalvar aortic stenosis (SVAS). Also called: Supravalvar aortic stenosis, Eisenberg type. Identifiers: Orphanet 3193, MedGen C0003499, MONDO:0008504, OMIM 185500, HP:0004381.

Allele frequency attached by ClinVar (database versions not stated): gnomAD exomes below 0.00001; TOPMed below 0.00001; gnomAD 0.00001.

Submission:

Labcorp Genetics (formerly Invitae), Labcorp
Classification: Uncertain significance for Supravalvar aortic stenosis. Last evaluated: 2024-08-05. Review status: criteria provided, single submitter. Criteria: Invitae Variant Classification Sherloc (09022015). Collection method: clinical testing. Allele origin: germline.
Comment: This sequence change replaces lysine, which is basic and polar, with arginine, which is basic and polar, at codon 212 of the ELN protein (p.Lys212Arg). This variant is present in population databases (no rsID available, gnomAD 0.007%). This variant has not been reported in the literature in individuals affected with ELN-related conditions. Advanced modeling of protein sequence and biophysical properties (such as structural, functional, and spatial information, amino acid conservation, physicochemical variation, residue mobility, and thermodynamic stability) performed at Invitae indicates that this missense variant is not expected to disrupt ELN protein function with a negative predictive value of 80%. In summary, the available evidence is currently insufficient to determine the role of this variant in disease. Therefore, it has been classified as a Variant of Uncertain Significance.